The following is an entry in ClinVar:

ClinVar aggregate classification (germline): Conflicting classifications of pathogenicity. Review status: criteria provided, conflicting classifications (1 of 4 stars). 2 submissions from 2 submitters: Uncertain significance (1); Benign (1). Last evaluated 2025-10-26.

Conditions:
Gorlin syndrome. Also called: Nevoid Basal Cell Carcinoma Syndrome; Basal cell nevus syndrome. Identifiers: Orphanet 377, MedGen C0004779, MONDO:0007187.
Hereditary cancer-predisposing syndrome. Also called: Hereditary Cancer Syndrome; Neoplastic Syndromes, Hereditary; Hereditary neoplastic syndrome; Tumor predisposition. Identifiers: Orphanet 140162, MedGen C0027672, MeSH D009386, MONDO:0015356.

Allele frequency attached by ClinVar (database versions not stated): gnomAD 0.00001 and 0.00002; gnomAD exomes 0.00001 and 0.00002; ExAC 0.00002; TOPMed 0.00002.
gnomAD v4.1: 16 of 1,614,004 alleles (0.00099%); highest among the groups gnomAD compares: African/African-American, 0.0027%; no homozygotes.

Submissions (2):

Labcorp Genetics (formerly Invitae), Labcorp
Classification: Benign for Gorlin syndrome. Last evaluated: 2025-10-26. Review status: criteria provided, single submitter. Criteria: Invitae Variant Classification Sherloc (09022015). Collection method: clinical testing. Allele origin: germline.

Ambry Genetics
Classification: Uncertain significance for Hereditary cancer-predisposing syndrome. Last evaluated: 2024-02-16. Review status: criteria provided, single submitter. Criteria: Ambry Variant Classification Scheme 2023. Collection method: clinical testing. Allele origin: germline.
Comment: The p.R783Q variant (also known as c.2348G>A), located in coding exon 15 of the PTCH1 gene, results from a G to A substitution at nucleotide position 2348. The arginine at codon 783 is replaced by glutamine, an amino acid with highly similar properties. This amino acid position is highly conserved in available vertebrate species. In addition, this alteration is predicted to be deleterious by in silico analysis. Since supporting evidence is limited at this time, the clinical significance of this alteration remains unclear.

NM_000264.5(PTCH1):c.2348G>A (p.Arg783Gln)

Genes: PTCH1 (patched 1; minus strand), LOC100507346 (uncharacterized LOC100507346; plus strand). Cytogenetic location: 9q22.32.
Variant type: single nucleotide variant.
Coding change: c.2348G>A on transcript NM_000264.5 (MANE Select); coding-DNA position 2348, G replaced by A.
Protein change: p.Arg783Gln; replaces arginine 783 with glutamine.
Molecular consequence: missense variant.
Genome position (GRCh38, 1-based): chr9:95,467,328, C>T on the plus strand (G>A on the coding strand, the complement: PTCH1 is on the minus strand). VCF-style: chr9-95467328-C-T. GRCh37 (hg19) VCF-style: chr9-98229610-C-T.
Other names: c.2150G>A, p.Arg717Gln (NM_001083602.3); c.2345G>A, p.Arg782Gln (NM_001083603.3); c.1895G>A, p.Arg632Gln (NM_001083604.3, NM_001083605.3, NM_001083606.3 and 1 more transcripts); c.2192G>A, p.Arg731Gln (NM_001354918.2); short protein forms R783Q, R731Q, R632Q, R782Q, R717Q.
Identifiers: ClinVar variation 821133 (VCV000821133.11), dbSNP rs779296683, ClinGen allele CA5138408.